The following is an entry in ClinVar:

NM_004746.4(DLGAP1):c.1551G>A (p.Pro517=)

Gene: DLGAP1 (DLG associated protein 1; minus strand). Cytogenetic location: 18p11.31.
Variant type: single nucleotide variant.
Coding change: c.1551G>A on transcript NM_004746.4 (MANE Select); coding-DNA position 1551, G replaced by A.
Protein change: p.Pro517=; no amino-acid change (proline 517 retained).
Molecular consequence: synonymous variant.
Genome position (GRCh38, 1-based): chr18:3,729,175, C>T on the plus strand (G>A on the coding strand, the complement: DLGAP1 is on the minus strand). VCF-style: chr18-3729175-C-T. GRCh37 (hg19) VCF-style: chr18-3729175-C-T.
Other names: c.645G>A, p.Pro215= (NM_001003809.3, NM_001242765.2, NM_001242766.2 and 1 more transcripts); c.1551G>A, p.Pro517= (NM_001242761.2, NM_001398525.1, NM_001398526.1 and 2 more transcripts); c.687G>A, p.Pro229= (NM_001242762.2, NM_001242763.2, NM_001398533.1 and 2 more transcripts); c.669G>A, p.Pro223= (NM_001242764.2, NM_001308390.2, NM_001398541.1 and 2 more transcripts); c.801G>A, p.Pro267= (NM_001398530.1, NM_001398535.1); c.783G>A, p.Pro261= (NM_001398531.1, NM_001398537.1); c.675G>A, p.Pro225= (NM_001398532.1, NM_001398534.1, NM_001398540.1 and 1 more transcripts); c.759G>A, p.Pro253= (NM_001398536.1).
Identifiers: ClinVar variation 3060604 (VCV003060604.2), dbSNP rs3745051, ClinGen allele CA8876435.

ClinVar aggregate classification (germline): Benign (0 of 4 stars; one submission).

Conditions:
DLGAP1-related disorder. Also called: DLGAP1-related condition.

Allele frequency attached by ClinVar (database versions not stated): gnomAD exomes 0.12954; ExAC 0.16791; ESP Exome Variant Server 0.17387; gnomAD 0.18358; TOPMed 0.18645; 1000 Genomes Project 30x 0.25234; 1000 Genomes Project 0.25459.
gnomAD v4.1: 218,700 of 1,612,722 alleles (14%); highest among the groups gnomAD compares: East Asian, 34%; 18,210 homozygotes.

Submission:

PreventionGenetics, part of Exact Sciences
Classification: Benign for DLGAP1-related condition. Last evaluated: 2019-10-22. Review status: no assertion criteria provided. Collection method: clinical testing. Allele origin: germline.
Comment: This variant is classified as benign based on ACMG/AMP sequence variant interpretation guidelines (Richards et al. 2015 PMID: 25741868, with internal and published modifications).